The following is an entry in ClinVar:

NM_003239.5(TGFB3):c.779G>A (p.Gly260Asp)

Gene: TGFB3 (transforming growth factor beta 3; minus strand). Cytogenetic location: 14q24.3.
Variant type: single nucleotide variant.
Coding change: c.779G>A on transcript NM_003239.5 (MANE Select); coding-DNA position 779, G replaced by A.
Protein change: p.Gly260Asp; replaces glycine 260 with aspartic acid.
Molecular consequence: missense variant.
Genome position (GRCh38, 1-based): chr14:75,963,463, C>T on the plus strand (G>A on the coding strand, the complement: TGFB3 is on the minus strand). VCF-style: chr14-75963463-C-T. GRCh37 (hg19) VCF-style: chr14-76429806-C-T.
Other names: c.779G>A, p.Gly260Asp (NM_001329938.2, NM_001329939.2); short protein forms G260D.
Identifiers: ClinVar variation 1497448 (VCV001497448.5), dbSNP rs2140238325, ClinGen allele CA390468656.

ClinVar aggregate classification (germline): Uncertain significance (1 of 4 stars; one submission).

Conditions:
Rienhoff syndrome. Also called: LOEYS-DIETZ SYNDROME 5. Identifiers: MedGen C3810012, MONDO:0014262, OMIM 615582.

Allele frequency attached by ClinVar (database versions not stated): gnomAD exomes below 0.00001.
gnomAD v4.1: 1 of 1,614,182 alleles (0.000062%); highest among the groups gnomAD compares: Non-Finnish European, 0.000085%; no homozygotes.

Submission:

Labcorp Genetics (formerly Invitae), Labcorp
Classification: Uncertain significance for Rienhoff syndrome. Last evaluated: 2021-08-30. Review status: criteria provided, single submitter. Criteria: Invitae Variant Classification Sherloc (09022015). Collection method: clinical testing. Allele origin: germline.
Comment: This sequence change replaces glycine with aspartic acid at codon 260 of the TGFB3 protein (p.Gly260Asp). The glycine residue is moderately conserved and there is a moderate physicochemical difference between glycine and aspartic acid. This variant is not present in population databases (ExAC no frequency). This variant has not been reported in the literature in individuals affected with TGFB3-related conditions. Algorithms developed to predict the effect of missense changes on protein structure and function (SIFT, PolyPhen-2, Align-GVGD) all suggest that this variant is likely to be tolerated. In summary, the available evidence is currently insufficient to determine the role of this variant in disease. Therefore, it has been classified as a Variant of Uncertain Significance.